The following is an entry in ClinVar:

ClinVar aggregate classification (germline): Conflicting classifications of pathogenicity. Review status: criteria provided, conflicting classifications (1 of 4 stars). 6 submissions from 6 submitters: Uncertain significance (1); Benign (1); Likely benign (4). Last evaluated 2026-06-01.

Conditions:
Autosomal recessive nonsyndromic hearing loss 9. Also called: NEUROSENSORY NONSYNDROMIC RECESSIVE DEAFNESS 9; Deafness, autosomal recessive 9; AUDITORY NEUROPATHY, AUTOSOMAL RECESSIVE, 1, TEMPERATURE-SENSITIVE; OTOF-Related Hearing Loss. Identifiers: Orphanet 90636, MedGen C1832828, MONDO:0010986, OMIM 601071.

Allele frequency attached by ClinVar (database versions not stated): gnomAD 0.00015 and 0.00016; ESP Exome Variant Server 0.00023; TOPMed 0.00023; ExAC 0.00032; gnomAD exomes 0.00038.
gnomAD v4.1: 207 of 1,614,014 alleles (0.013%); highest among the groups gnomAD compares: Admixed American, 0.095%; no homozygotes.

Submissions (6):

CeGaT Center for Human Genetics Tuebingen
Classification: Likely benign. Last evaluated: 2026-06-01. Review status: criteria provided, single submitter. Criteria: CeGaT Center For Human Genetics Tuebingen Variant Classification Criteria Version 2. Collection method: clinical testing. Allele origin: germline. Affected: yes. Observed: 2 variant alleles.
Comment: OTOF: BP4, BP7

Labcorp Genetics (formerly Invitae), Labcorp
Classification: Benign. Last evaluated: 2026-01-28. Review status: criteria provided, single submitter. Criteria: Invitae Variant Classification Sherloc (09022015). Collection method: clinical testing. Allele origin: germline.

Blueprint Genetics
Classification: Likely benign. Last evaluated: 2024-10-08. Review status: criteria provided, single submitter. Criteria: ACMG Guidelines, 2015. Collection method: clinical testing. Allele origin: germline.

Illumina Laboratory Services, Illumina
Classification: Uncertain significance for Autosomal recessive nonsyndromic hearing loss 9. Last evaluated: 2017-04-27. Review status: criteria provided, single submitter. Criteria: ICSL Variant Classification Criteria 13 December 2019. Collection method: clinical testing. Allele origin: germline.
Comment: This variant was observed as part of a predisposition screen in an ostensibly healthy population. A literature search was performed for the gene, cDNA change, and amino acid change (where applicable). Publications were found based on this search. However, the evidence from the literature, in combination with allele frequency data from public databases where available, was not sufficient to rule this variant in or out of causing disease. Therefore, this variant is classified as a variant of unknown significance.

Laboratory for Molecular Medicine, Mass General Brigham Personalized Medicine
Classification: Likely benign. Last evaluated: 2016-07-21. Review status: criteria provided, single submitter. Criteria: LMM Criteria. Collection method: clinical testing. Allele origin: germline. Observed: 1 variant allele.
Comment: p.Asp1777Asp in exon 43 of OTOF: This variant is not expected to have clinical s ignificance because it does not alter an amino acid residue, is not located with in the splice consensus sequence, and has been identified in 0.1% (17/11578) of Latino chromosomes and 22/66722 European chromosomes by the Exome Aggregation Co nsortium (ExAC; dbSNP rs141082575).

PreventionGenetics, part of Exact Sciences
Classification: Likely benign. Review status: criteria provided, single submitter. Criteria: ACMG Guidelines, 2015. Collection method: clinical testing. Allele origin: germline.

Literature cited by the submitters: PubMed 22575033 (cited by Illumina Laboratory Services, Illumina).

NM_194248.3(OTOF):c.5331C>T (p.Asp1777=)

Gene: OTOF (otoferlin; minus strand). Cytogenetic location: 2p23.3.
Variant type: single nucleotide variant.
Coding change: c.5331C>T on transcript NM_194248.3 (MANE Select); coding-DNA position 5331, C replaced by T.
Protein change: p.Asp1777=; no amino-acid change (aspartic acid 1777 retained).
Molecular consequence: synonymous variant.
Genome position (GRCh38, 1-based): chr2:26,461,898, G>A on the plus strand (C>T on the coding strand, the complement: OTOF is on the minus strand). VCF-style: chr2-26461898-G-A. GRCh37 (hg19) VCF-style: chr2-26684766-G-A.
Other names: c.5331C>T, p.Asp1777= (NM_001287489.2); c.3030C>T, p.Asp1010= (NM_004802.4, NM_194323.3); c.3261C>T, p.Asp1087= (NM_194322.3).
Identifiers: ClinVar variation 263085 (VCV000263085.42), dbSNP rs141082575, ClinGen allele CA1562847.